The following is an entry in ClinVar:

NM_006516.4(SLC2A1):c.116T>G (p.Val39Gly)

Gene: SLC2A1 (solute carrier family 2 member 1; minus strand). Cytogenetic location: 1p34.2.
Variant type: single nucleotide variant.
Coding change: c.116T>G on transcript NM_006516.4 (MANE Select); coding-DNA position 116, T replaced by G.
Protein change: p.Val39Gly; replaces valine 39 with glycine.
Molecular consequence: missense variant.
Genome position (GRCh38, 1-based): chr1:42,931,205, A>C on the plus strand (T>G on the coding strand, the complement: SLC2A1 is on the minus strand). VCF-style: chr1-42931205-A-C. GRCh37 (hg19) VCF-style: chr1-43396876-A-C.
Other names: short protein forms V39G.
Identifiers: ClinVar variation 3343740 (VCV003343740.1).

ClinVar aggregate classification (germline): Uncertain significance (1 of 4 stars; one submission).

Submission:

GeneDx
Classification: Uncertain significance. Last evaluated: 2023-05-19. Review status: criteria provided, single submitter. Criteria: GeneDx Variant Classification Process June 2021. Collection method: clinical testing. Allele origin: germline. Affected: yes.
Comment: Not observed at significant frequency in large population cohorts (gnomAD); In silico analysis supports that this missense variant has a deleterious effect on protein structure/function; Has not been previously published as pathogenic or benign to our knowledge